The following is an entry in ClinVar:

NM_006214.4(PHYH):c.517C>T (p.Pro173Ser)

Gene: PHYH (phytanoyl-CoA 2-hydroxylase; minus strand). Cytogenetic location: 10p13.
Variant type: single nucleotide variant.
Coding change: c.517C>T on transcript NM_006214.4 (MANE Select); coding-DNA position 517, C replaced by T.
Protein change: p.Pro173Ser; replaces proline 173 with serine.
Molecular consequence: missense variant. On other transcripts: intron variant (1).
Genome position (GRCh38, 1-based): chr10:13,288,521, G>A on the plus strand (C>T on the coding strand, the complement: PHYH is on the minus strand). VCF-style: chr10-13288521-G-A. GRCh37 (hg19) VCF-style: chr10-13330521-G-A.
Other names: c.217C>T, p.Pro73Ser (NM_001037537.2, NM_001323080.2); c.523C>T, p.Pro175Ser (NM_001323082.2); c.223C>T, p.Pro75Ser (NM_001323084.2); c.415-4682C>T (NM_001323083.2); short protein forms P173S, P175S, P73S, P75S.
Identifiers: ClinVar variation 3366821 (VCV003366821.1).

ClinVar aggregate classification (germline): Uncertain significance (1 of 4 stars; one submission).

gnomAD v4.1: 2 of 1,614,116 alleles (0.00012%); highest among the groups gnomAD compares: Non-Finnish European, 0.00017%; no homozygotes.

Submission:

Women's Health and Genetics/Laboratory Corporation of America, LabCorp
Classification: Uncertain significance. Last evaluated: 2024-08-13. Review status: criteria provided, single submitter. Criteria: LabCorp Variant Classification Summary - May 2015. Collection method: clinical testing. Allele origin: germline.
Comment: Variant summary: PHYH c.517C>T (p.Pro173Ser) results in a non-conservative amino acid change in the encoded protein sequence. Five of five in-silico tools predict a damaging effect of the variant on protein function. The variant was absent in 251448 control chromosomes. c.517C>T has been reported in the literature in the homozygous state in at least 1 individual affected with Phytanic Acid Storage Disease (example, Jansen_2000). These data indicate that the variant may be associated with disease. At least one publication reports experimental evidence evaluating an impact on protein function. The most pronounced variant effect results in enzyme deficiency, however no specific data were presented (example, Jansen_2000). The following publication have been ascertained in the context of this evaluation (PMID: 10767344). No submitters have cited clinical-significance assessments for this variant to ClinVar. Based on the evidence outlined above, the variant was classified as VUS-possibly pathogenic.

Literature cited by the submitters: PubMed 10767344.